The following is an entry in ClinVar:

NM_030777.4(SLC2A10):c.504C>A (p.Phe168Leu)

Gene: SLC2A10 (solute carrier family 2 member 10; plus strand). Cytogenetic location: 20q13.12.
Variant type: single nucleotide variant.
Coding change: c.504C>A on transcript NM_030777.4 (MANE Select); coding-DNA position 504, C replaced by A.
Protein change: p.Phe168Leu; replaces phenylalanine 168 with leucine.
Molecular consequence: missense variant.
Genome position (GRCh38, 1-based): chr20:46,725,540, C>A. VCF-style: chr20-46725540-C-A. GRCh37 (hg19) VCF-style: chr20-45354179-C-A.
Other names: p.F168L:TTC>TTA; short protein forms F168L.
Identifiers: ClinVar variation 213747 (VCV000213747.15), dbSNP rs540023880, ClinGen allele CA324019.
Genomic context (GRCh38, chr20:46,725,540, plus strand): 5'-GCTCTCCTATGCCCTCAACTATGCACTGGCTGGTACCCCCTGGGGATGGAGGCACATGTT[C>A]GGCTGGGCCACTGCACCTGCTGTCCTGCAATCCCTCAGCCTCCTCTTCCTCCCTGCTGGT-3'
Protein context (NP_110404.1, residues 158-178): AGTPWGWRHM[Phe168Leu]GWATAPAVLQ

ClinVar aggregate classification (germline): Conflicting classifications of pathogenicity. Review status: criteria provided, conflicting classifications (1 of 4 stars). 4 submissions from 4 submitters: Uncertain significance (3); Likely benign (1). Last evaluated 2026-02-02.

Conditions:
Familial thoracic aortic aneurysm and aortic dissection (TAAD). Also called: Thoracic aortic aneurysms and dissections. Identifiers: Orphanet 91387, MedGen C4707243, MONDO:0019625.
Arterial tortuosity syndrome (ATORS). Identifiers: Orphanet 3342, MedGen C1859726, MONDO:0008818, OMIM 208050.

Allele frequency attached by ClinVar (database versions not stated): TOPMed 0.00001; 1000 Genomes Project 30x 0.00016; 1000 Genomes Project 0.00020.
gnomAD v4.1: 60 of 1,614,172 alleles (0.0037%); highest among the groups gnomAD compares: South Asian, 0.06%; 2 homozygotes.

Submissions (4):

Labcorp Genetics (formerly Invitae), Labcorp
Classification: Likely benign for Arterial tortuosity syndrome. Last evaluated: 2026-02-02. Review status: criteria provided, single submitter. Criteria: Invitae Variant Classification Sherloc (09022015). Collection method: clinical testing. Allele origin: germline.

Ambry Genetics
Classification: Uncertain significance for Familial thoracic aortic aneurysm and aortic dissection. Last evaluated: 2024-09-30. Review status: criteria provided, single submitter. Criteria: Ambry Variant Classification Scheme 2023. Collection method: clinical testing. Allele origin: germline.
Comment: The p.F168L variant (also known as c.504C>A), located in coding exon 2 of the SLC2A10 gene, results from a C to A substitution at nucleotide position 504. The phenylalanine at codon 168 is replaced by leucine, an amino acid with highly similar properties. This amino acid position is highly conserved in available vertebrate species; however, leucine is the reference amino acid in other vertebrate species. In addition, the in silico prediction for this alteration is inconclusive. Since supporting evidence is limited at this time, the clinical significance of this alteration remains unclear.

Women's Health and Genetics/Laboratory Corporation of America, LabCorp
Classification: Uncertain significance. Last evaluated: 2019-10-08. Review status: criteria provided, single submitter. Criteria: LabCorp Variant Classification Summary - May 2015. Collection method: clinical testing. Allele origin: germline.
Comment: Variant summary: SLC2A10 c.504C>A (p.Phe168Leu) results in a non-conservative amino acid change located in the Major facilitator superfamily domain (IPR020846) of the encoded protein sequence. Three of five in-silico tools predict a damaging effect of the variant on protein function. The variant allele was found at a frequency of 0.0001 in 251300 control chromosomes in the gnomAD database, including 1 homozygotes. This frequency is not significantly higher than expected for a pathogenic variant in SLC2A10 causing Aortopathy (0.0001 vs 0.0016), allowing no conclusion about variant significance. To our knowledge, no occurrence of c.504C>A in individuals affected with Aortopathy and no experimental evidence demonstrating its impact on protein function have been reported. A ClinVar submission (evaluation after 2014) cites the variant as uncertain significance. Based on the evidence outlined above, the variant was classified as uncertain significance.

GeneDx
Classification: Uncertain significance. Last evaluated: 2018-11-26. Review status: criteria provided, single submitter. Criteria: GeneDx Variant Classification (06012015). Collection method: clinical testing. Allele origin: germline. Affected: yes.
Comment: The F168L variant of uncertain significance in the SLC2A10 gene has not been published in association with ATS to our knowledge. This variant is observed in 26/246090 (0.01%) alleles from individuals of multiple ethnic backgrounds, including one homozygous individual, in large population cohorts indicating this may be a rare benign variant (Lek et al., 2016). The F168L variant is a conservative amino acid substitution, which is not likely to impact secondary protein structure as these residues share similar properties. Nevertheless, in-silico analyses, including protein predictors and evolutionary conservation, support a deleterious effect. Therefore, based on the currently available information, it is unclear whether this variant is pathogenic or rare benign.

Literature cited by the submitters: PubMed 30090112 (cited by Ambry Genetics and Women's Health and Genetics/Laboratory Corporation of America, LabCorp).